The following is an entry in ClinVar:

NM_000834.5(GRIN2B):c.2044C>T (p.Arg682Cys)

Gene: GRIN2B (glutamate ionotropic receptor NMDA type subunit 2B; minus strand). Cytogenetic location: 12p13.1.
Variant type: single nucleotide variant.
Coding change: c.2044C>T on transcript NM_000834.5 (MANE Select); coding-DNA position 2044, C replaced by T.
Protein change: p.Arg682Cys; replaces arginine 682 with cysteine.
Molecular consequence: missense variant.
Genome position (GRCh38, 1-based): chr12:13,571,931, G>A on the plus strand (C>T on the coding strand, the complement: GRIN2B is on the minus strand). VCF-style: chr12-13571931-G-A. GRCh37 (hg19) VCF-style: chr12-13724865-G-A.
Other names: short protein forms R682C.
Identifiers: ClinVar variation 29730 (VCV000029730.26), dbSNP rs387906636, ClinGen allele CA128599.

ClinVar aggregate classification (germline): Pathogenic/Likely pathogenic. Review status: criteria provided, multiple submitters, no conflicts (2 of 4 stars). 7 submissions from 7 submitters: Pathogenic (5); Likely pathogenic (1). 1 of the submissions does not count toward it. Last evaluated 2025-07-27.

Conditions:
Intellectual developmental disorder, autosomal dominant 6, with or without seizures. Also called: GRIN2B-related developmental delay, intellectual disability and autism spectrum disorder; Intellectual disability, autosomal dominant 6. Identifiers: Orphanet 589547, MedGen C3151411, MONDO:0013509, OMIM 613970.
Developmental and epileptic encephalopathy, 27 (DEE27). Also called: Epileptic encephalopathy, early infantile, 27; GRIN2B-Related Neurodevelopmental Disorder. Identifiers: Orphanet 3451, MedGen C4015316, MONDO:0014505, OMIM 616139.
Intellectual disability. Also called: Intellectual developmental disorder; Intellectual functioning disability; intellectual disabilities. Identifiers: MedGen C3714756, MeSH D008607, MONDO:0001071, HP:0001249.

Submissions (7):

Labcorp Genetics (formerly Invitae), Labcorp
Classification: Pathogenic for Developmental and epileptic encephalopathy, 27; Intellectual developmental disorder, autosomal dominant 6, with or without seizures. Last evaluated: 2025-07-27. Review status: criteria provided, single submitter. Criteria: Invitae Variant Classification Sherloc (09022015). Collection method: clinical testing. Allele origin: germline.
Comment: This sequence change replaces arginine, which is basic and polar, with cysteine, which is neutral and slightly polar, at codon 682 of the GRIN2B protein (p.Arg682Cys). This variant is not present in population databases (gnomAD no frequency). This missense change has been observed in individual(s) with intellectual disability (PMID: 20890276). In at least one individual the variant was observed to be de novo. ClinVar contains an entry for this variant (Variation ID: 29730). Invitae Evidence Modeling of protein sequence and biophysical properties (such as structural, functional, and spatial information, amino acid conservation, physicochemical variation, residue mobility, and thermodynamic stability) indicates that this missense variant is expected to disrupt GRIN2B protein function with a positive predictive value of 95%. This variant disrupts the p.Arg682 amino acid residue in GRIN2B. Other variant(s) that disrupt this residue have been determined to be pathogenic (PMID: 30315573). This suggests that this residue is clinically significant, and that variants that disrupt this residue are likely to be disease-causing. For these reasons, this variant has been classified as Pathogenic.

CeGaT Center for Human Genetics Tuebingen
Classification: Pathogenic. Last evaluated: 2024-05-01. Review status: criteria provided, single submitter. Criteria: CeGaT Center For Human Genetics Tuebingen Variant Classification Criteria Version 2. Collection method: clinical testing. Allele origin: germline. Affected: yes. Observed: 1 variant allele.
Comment: GRIN2B: PM1, PM2, PM5, PS2:Moderate, PS4:Moderate, PP2

Laboratoire Génétique Moléculaire, CHRU TOURS
Classification: Pathogenic. Last evaluated: 2021-06-01. Review status: criteria provided, single submitter. Criteria: ACMG Guidelines, 2015. Collection method: clinical testing. Allele origin: de novo. Affected: yes.

Diagnostic Laboratory, Strasbourg University Hospital
Classification: Pathogenic for Intellectual disability. Last evaluated: 2020-09-10. Review status: criteria provided, single submitter. Criteria: ACMG Guidelines, 2015. Collection method: clinical testing. Allele origin: de novo. Affected: yes. Observed: 1 heterozygote.

Institute of Human Genetics, University of Leipzig Medical Center
Classification: Likely pathogenic for Intellectual developmental disorder, autosomal dominant 6, with or without seizures. Last evaluated: 2017-04-04. Review status: criteria provided, single submitter. Criteria: ACMG Guidelines, 2015. Collection method: clinical testing. Allele origin: de novo. Affected: yes.
Comment: This variant was identified as de novo (maternity and paternity confirmed).

UCLA Clinical Genomics Center, UCLA
Classification: Pathogenic for Mental retardation, autosomal dominant 6. Last evaluated: 2014-01-21. Review status: criteria provided, single submitter. Criteria: Lee et al. (JAMA. 2014). Collection method: clinical testing. Allele origin: de novo. Inheritance: Autosomal dominant inheritance. Affected: yes. Study: CES.

OMIM
Classification: Pathogenic for INTELLECTUAL DEVELOPMENTAL DISORDER, AUTOSOMAL DOMINANT 6. Last evaluated: 2010-11-01. Review status: no assertion criteria provided. Collection method: literature only. Allele origin: germline. Not counted in ClinVar's aggregate classification.

Literature cited by the submitters: PubMed 20890276 (cited by Labcorp Genetics (formerly Invitae), Labcorp and OMIM); PubMed 30315573 (cited by Labcorp Genetics (formerly Invitae), Labcorp); PubMed 28377535 (cited by Institute of Human Genetics, University of Leipzig Medical Center).